The following is an entry in ClinVar:

NM_032620.4(GTPBP3):c.205C>G (p.Arg69Gly)

Gene: GTPBP3 (GTP binding protein 3, mitochondrial; plus strand). Cytogenetic location: 19p13.11.
Variant type: single nucleotide variant.
Coding change: c.205C>G on transcript NM_032620.4 (MANE Select); coding-DNA position 205, C replaced by G.
Protein change: p.Arg69Gly; replaces arginine 69 with glycine.
Molecular consequence: missense variant.
Genome position (GRCh38, 1-based): chr19:17,338,159, C>G. VCF-style: chr19-17338159-C-G. GRCh37 (hg19) VCF-style: chr19-17448968-C-G.
Other names: c.205C>G, p.Arg69Gly (NM_001128855.3, NM_133644.4); c.271C>G, p.Arg91Gly (NM_001195422.1); short protein forms R91G, R69G.
Identifiers: ClinVar variation 1400469 (VCV001400469.6), dbSNP rs778982953, ClinGen allele CA9293259.

ClinVar aggregate classification (germline): Uncertain significance (1 of 4 stars; one submission).

Allele frequency attached by ClinVar (database versions not stated): gnomAD 0.00001; gnomAD exomes 0.00001; ExAC 0.00002.
gnomAD v4.1: 14 of 1,594,244 alleles (0.00088%); highest among the groups gnomAD compares: East Asian, 0.0022%; no homozygotes.

Submission:

Labcorp Genetics (formerly Invitae), Labcorp
Classification: Uncertain significance. Last evaluated: 2021-08-16. Review status: criteria provided, single submitter. Criteria: Invitae Variant Classification Sherloc (09022015). Collection method: clinical testing. Allele origin: germline.
Comment: This variant is present in population databases (rs778982953, ExAC 0.004%). This sequence change replaces arginine with glycine at codon 69 of the GTPBP3 protein (p.Arg69Gly). The arginine residue is weakly conserved and there is a moderate physicochemical difference between arginine and glycine. This variant has not been reported in the literature in individuals affected with GTPBP3-related conditions. Algorithms developed to predict the effect of missense changes on protein structure and function (SIFT, PolyPhen-2, Align-GVGD) all suggest that this variant is likely to be tolerated. In summary, the available evidence is currently insufficient to determine the role of this variant in disease. Therefore, it has been classified as a Variant of Uncertain Significance.